The following is an entry in ClinVar:

ClinVar aggregate classification (germline): Uncertain significance (1 of 4 stars; one submission).

Conditions:
Hereditary cancer-predisposing syndrome. Also called: Tumor predisposition; Neoplastic Syndromes, Hereditary; Hereditary neoplastic syndrome; Hereditary Cancer Syndrome. Identifiers: Orphanet 140162, MedGen C0027672, MeSH D009386, MONDO:0015356.

gnomAD v4.1: 1 of 1,613,802 alleles (0.000062%); highest among the groups gnomAD compares: South Asian, 0.0011%; no homozygotes.

Submission:

Ambry Genetics
Classification: Uncertain significance for Hereditary cancer-predisposing syndrome. Last evaluated: 2024-09-26. Review status: criteria provided, single submitter. Criteria: Ambry Variant Classification Scheme 2023. Collection method: clinical testing. Allele origin: germline.
Comment: The p.D137N variant (also known as c.409G>A), located in coding exon 4 of the SDHA gene, results from a G to A substitution at nucleotide position 409. The aspartic acid at codon 137 is replaced by asparagine, an amino acid with highly similar properties. This amino acid position is conserved. In addition, this alteration is predicted to be tolerated by in silico analysis. Based on the available evidence, the clinical significance of this variant remains unclear.

NM_004168.4(SDHA):c.409G>A (p.Asp137Asn)

Gene: SDHA (succinate dehydrogenase complex flavoprotein subunit A; plus strand). Cytogenetic location: 5p15.33.
Variant type: single nucleotide variant.
Coding change: c.409G>A on transcript NM_004168.4 (MANE Select); coding-DNA position 409, G replaced by A.
Protein change: p.Asp137Asn; replaces aspartic acid 137 with asparagine.
Molecular consequence: missense variant. On other transcripts: intron variant (1).
Genome position (GRCh38, 1-based): chr5:225,515, G>A. VCF-style: chr5-225515-G-A. GRCh37 (hg19) VCF-style: chr5-225630-G-A.
Other names: c.409G>A, p.Asp137Asn (NM_001330758.2); c.313-368G>A (NM_001294332.2); short protein forms D137N.
Identifiers: ClinVar variation 3438698 (VCV003438698.1).
Genomic context (GRCh38, chr5:225,515, plus strand): 5'-GACAACTGGAGGTGGCATTTCTACGACACCGTGAAGGGCTCCGACTGGCTGGGGGACCAG[G>A]ATGCCATCCACTACATGACGGAGCAGGCCCCCGCCGCCGTGGTCGAGGTGATGGGCGGGA-3'
Protein context (NP_004159.2, residues 127-147): VKGSDWLGDQ[Asp137Asn]AIHYMTEQAP